The following is an entry in ClinVar:

NM_006231.4(POLE):c.5033A>C (p.Gln1678Pro)

Gene: POLE (DNA polymerase epsilon, catalytic subunit; minus strand). Cytogenetic location: 12q24.33.
Variant type: single nucleotide variant.
Coding change: c.5033A>C on transcript NM_006231.4 (MANE Select); coding-DNA position 5033, A replaced by C.
Protein change: p.Gln1678Pro; replaces glutamine 1678 with proline.
Molecular consequence: missense variant.
Genome position (GRCh38, 1-based): chr12:132,642,317, T>G on the plus strand (A>C on the coding strand, the complement: POLE is on the minus strand). VCF-style: chr12-132642317-T-G. GRCh37 (hg19) VCF-style: chr12-133218903-T-G.
Other names: short protein forms Q1678P.
Identifiers: ClinVar variation 3716510 (VCV003716510.2).

ClinVar aggregate classification (germline): Uncertain significance (1 of 4 stars; one submission).

Submission:

Labcorp Genetics (formerly Invitae), Labcorp
Classification: Uncertain significance. Last evaluated: 2024-12-14. Review status: criteria provided, single submitter. Criteria: Invitae Variant Classification Sherloc (09022015). Collection method: clinical testing. Allele origin: germline.
Comment: This sequence change replaces glutamine, which is neutral and polar, with proline, which is neutral and non-polar, at codon 1678 of the POLE protein (p.Gln1678Pro). This variant is not present in population databases (gnomAD no frequency). This variant has not been reported in the literature in individuals affected with POLE-related conditions. Invitae Evidence Modeling of protein sequence and biophysical properties (such as structural, functional, and spatial information, amino acid conservation, physicochemical variation, residue mobility, and thermodynamic stability) indicates that this missense variant is not expected to disrupt POLE protein function with a negative predictive value of 80%. In summary, the available evidence is currently insufficient to determine the role of this variant in disease. Therefore, it has been classified as a Variant of Uncertain Significance.